The following is an entry in ClinVar:

ClinVar aggregate classification (germline): Uncertain significance. Review status: criteria provided, multiple submitters, no conflicts (2 of 4 stars). 2 submissions from 2 submitters: Uncertain significance (2). Last evaluated 2023-11-21.

Conditions:
Hereditary cancer-predisposing syndrome. Also called: Tumor predisposition; Neoplastic Syndromes, Hereditary; Hereditary Cancer Syndrome; Hereditary neoplastic syndrome. Identifiers: Orphanet 140162, MedGen C0027672, MeSH D009386, MONDO:0015356.
Ataxia-telangiectasia syndrome (AT). Also called: ATAXIA-TELANGIECTASIA, COMPLEMENTATION GROUP A; ATAXIA-TELANGIECTASIA, FRESNO VARIANT; Ataxia-telangiectasia; Ataxia-telangiectasia, complementation group D; AT, COMPLEMENTATION GROUP C; Ataxia-telangiectasia, complementation group E. Identifiers: Orphanet 100, MedGen C0004135, MONDO:0008840, OMIM 208900.

Submissions (2):

Ambry Genetics
Classification: Uncertain significance for Hereditary cancer-predisposing syndrome. Last evaluated: 2023-11-21. Review status: criteria provided, single submitter. Criteria: Ambry Variant Classification Scheme 2023. Collection method: clinical testing. Allele origin: germline.
Comment: The p.W2042C variant (also known as c.6126G>C), located in coding exon 41 of the ATM gene, results from a G to C substitution at nucleotide position 6126. The tryptophan at codon 2042 is replaced by cysteine, an amino acid with highly dissimilar properties. This amino acid position is conserved. In addition, the in silico prediction for this alteration is inconclusive. Since supporting evidence is limited at this time, the clinical significance of this alteration remains unclear.

Labcorp Genetics (formerly Invitae), Labcorp
Classification: Uncertain significance for Ataxia-telangiectasia syndrome. Last evaluated: 2019-01-21. Review status: criteria provided, single submitter. Criteria: Invitae Variant Classification Sherloc (09022015). Collection method: clinical testing. Allele origin: germline.
Comment: Algorithms developed to predict the effect of missense changes on protein structure and function (SIFT, PolyPhen-2, Align-GVGD) all suggest that this variant is likely to be disruptive, but these predictions have not been confirmed by published functional studies and their clinical significance is uncertain. This variant has not been reported in the literature in individuals with ATM-related conditions. This variant is not present in population databases (ExAC no frequency). This sequence change replaces tryptophan with cysteine at codon 2042 of the ATM protein (p.Trp2042Cys). The tryptophan residue is highly conserved and there is a large physicochemical difference between tryptophan and cysteine. In summary, the available evidence is currently insufficient to determine the role of this variant in disease. Therefore, it has been classified as a Variant of Uncertain Significance.

NM_000051.4(ATM):c.6126G>C (p.Trp2042Cys)

Genes: ATM (ATM serine/threonine kinase; plus strand), C11orf65 (chromosome 11 open reading frame 65; minus strand). Cytogenetic location: 11q22.3.
Variant type: single nucleotide variant.
Coding change: c.6126G>C on transcript NM_000051.4 (MANE Select); coding-DNA position 6126, G replaced by C.
Protein change: p.Trp2042Cys; replaces tryptophan 2042 with cysteine.
Molecular consequence: missense variant. On other transcripts: intron variant (2).
Genome position (GRCh38, 1-based): chr11:108,316,041, G>C. VCF-style: chr11-108316041-G-C. GRCh37 (hg19) VCF-style: chr11-108186768-G-C.
Other names: c.6126G>C, p.Trp2042Cys (NM_001351834.2); c.641-6970C>G (NM_001330368.2); c.*39-6970C>G (NM_001351110.2); short protein forms W2042C.
Identifiers: ClinVar variation 835930 (VCV000835930.11), dbSNP rs2084615312, ClinGen allele CA382550453.